The following is an entry in ClinVar:

NM_001385875.1(ZFYVE27):c.436G>A (p.Val146Met)

Gene: ZFYVE27 (zinc finger FYVE-type containing 27; plus strand). Cytogenetic location: 10q24.2.
Variant type: single nucleotide variant.
Coding change: c.436G>A on transcript NM_001385875.1 (MANE Select); coding-DNA position 436, G replaced by A.
Protein change: p.Val146Met; replaces valine 146 with methionine.
Molecular consequence: missense variant. On other transcripts: non-coding transcript variant (15), intron variant (9).
Genome position (GRCh38, 1-based): chr10:97,744,896, G>A. VCF-style: chr10-97744896-G-A. GRCh37 (hg19) VCF-style: chr10-99504653-G-A.
Other names: c.436G>A, p.Val146Met (NM_001002261.4, NM_001002262.4, NM_001385871.1 and 10 more transcripts); c.340G>A, p.Val114Met (NM_001174119.2, NM_001385885.1, NM_001385887.1 and 1 more transcripts); c.142G>A, p.Val48Met (NM_001174121.2, NM_001385915.1); c.475G>A, p.Val159Met (NM_001385876.1); c.400G>A, p.Val134Met (NM_001385881.1); c.232G>A, p.Val78Met (NM_001385890.1, NM_001385891.1, NM_001385892.1 and 6 more transcripts); c.199G>A, p.Val67Met (NM_001385899.1, NM_001385900.1, NM_001385903.1 and 3 more transcripts); c.198-3373G>A (NM_001385902.1, NM_001385908.1, NM_001385901.1 and 3 more transcripts); and 2 more; short protein forms V146M, V48M, V114M, V134M, V159M, V67M, V78M.
Identifiers: ClinVar variation 567893 (VCV000567893.10), dbSNP rs746654065, ClinGen allele CA5635163.

ClinVar aggregate classification (germline): Uncertain significance. Review status: criteria provided, multiple submitters, no conflicts (2 of 4 stars). 2 submissions from 2 submitters: Uncertain significance (2). Last evaluated 2025-04-25.

Conditions:
Spastic paraplegia. Identifiers: MedGen C0037772, HP:0001258.

Allele frequency attached by ClinVar (database versions not stated): gnomAD 0.00001; TOPMed 0.00002; gnomAD exomes 0.00004 and 0.00012; ExAC 0.00030.
gnomAD v4.1: 60 of 1,585,858 alleles (0.0038%); highest among the groups gnomAD compares: South Asian, 0.02%; no homozygotes.

Submissions (2):

Ambry Genetics
Classification: Uncertain significance. Last evaluated: 2025-04-25. Review status: criteria provided, single submitter. Criteria: Ambry Variant Classification Scheme 2023. Collection method: clinical testing. Allele origin: germline.

Labcorp Genetics (formerly Invitae), Labcorp
Classification: Uncertain significance for Spastic paraplegia. Last evaluated: 2018-05-09. Review status: criteria provided, single submitter. Criteria: Invitae Variant Classification Sherloc (09022015). Collection method: clinical testing. Allele origin: germline.
Comment: Algorithms developed to predict the effect of missense changes on protein structure and function output the following: SIFT: "Deleterious"; PolyPhen-2: "Possibly Damaging"; Align-GVGD: "Class C0". The methionine amino acid residue is found in multiple mammalian species, suggesting that this missense change does not adversely affect protein function. These predictions have not been confirmed by published functional studies and their clinical significance is uncertain. This variant has not been reported in the literature in individuals with ZFYVE27-related disease. This variant is present in population databases (rs746654065, ExAC 0.07%), and has an allele count higher than expected for a pathogenic variant (PMID: 28166811). This sequence change replaces valine with methionine at codon 146 of the ZFYVE27 protein (p.Val146Met). The valine residue is highly conserved and there is a small physicochemical difference between valine and methionine. In summary, the available evidence is currently insufficient to determine the role of this variant in disease. Therefore, it has been classified as a Variant of Uncertain Significance.

Literature cited by the submitters: PubMed 28166811 (cited by Labcorp Genetics (formerly Invitae), Labcorp).